The following is an entry in ClinVar:

ClinVar aggregate classification (germline): Uncertain significance (1 of 4 stars; one submission).

Conditions:
Bifunctional peroxisomal enzyme deficiency (DBIF). Also called: DBP DEFICIENCY; PBFE DEFICIENCY; D-bifunctional protein deficiency. Identifiers: Orphanet 300, MedGen C0342870, MONDO:0009855, OMIM 261515. Disease mechanism: loss of function.
Perrault syndrome. Also called: Gonadal dysgenesis with auditory dysfunction, autosomal recessive inheritance. Identifiers: Orphanet 2855, MedGen C0685838, MONDO:0017312.

Submission:

Labcorp Genetics (formerly Invitae), Labcorp
Classification: Uncertain significance for Perrault syndrome; Bifunctional peroxisomal enzyme deficiency. Last evaluated: 2024-10-30. Review status: criteria provided, single submitter. Criteria: Invitae Variant Classification Sherloc (09022015). Collection method: clinical testing. Allele origin: germline.
Comment: This sequence change replaces serine, which is neutral and polar, with cysteine, which is neutral and slightly polar, at codon 498 of the HSD17B4 protein (p.Ser498Cys). This variant is present in population databases (rs758591104, gnomAD 0.05%). This variant has not been reported in the literature in individuals affected with HSD17B4-related conditions. Invitae Evidence Modeling of protein sequence and biophysical properties (such as structural, functional, and spatial information, amino acid conservation, physicochemical variation, residue mobility, and thermodynamic stability) has been performed for this missense variant. However, the output from this modeling did not meet the statistical confidence thresholds required to predict the impact of this variant on HSD17B4 protein function. In summary, the available evidence is currently insufficient to determine the role of this variant in disease. Therefore, it has been classified as a Variant of Uncertain Significance.

NM_000414.4(HSD17B4):c.1493C>G (p.Ser498Cys)

Gene: HSD17B4 (hydroxysteroid 17-beta dehydrogenase 4; plus strand). Cytogenetic location: 5q23.1.
Variant type: single nucleotide variant.
Coding change: c.1493C>G on transcript NM_000414.4 (MANE Select); coding-DNA position 1493, C replaced by G.
Protein change: p.Ser498Cys; replaces serine 498 with cysteine.
Molecular consequence: missense variant. On other transcripts: non-coding transcript variant (2).
Genome position (GRCh38, 1-based): chr5:119,515,036, C>G. VCF-style: chr5-119515036-C-G. GRCh37 (hg19) VCF-style: chr5-118850731-C-G.
Other names: c.1568C>G, p.Ser523Cys (NM_001199291.3); c.1439C>G, p.Ser480Cys (NM_001199292.2); c.1421C>G, p.Ser474Cys (NM_001292027.2, NM_001374498.1); c.1073C>G, p.Ser358Cys (NM_001292028.2); c.1484C>G, p.Ser495Cys (NM_001374497.1); c.1166C>G, p.Ser389Cys (NM_001374499.1); c.1052C>G, p.Ser351Cys (NM_001374500.1); c.1082C>G, p.Ser361Cys (NM_001374501.1, NM_001374502.1, NM_001374503.1); short protein forms S351C, S358C, S361C, S389C, S474C, S480C, S495C, S498C.
Identifiers: ClinVar variation 3753312 (VCV003753312.1).